The following is an entry in ClinVar:

NM_000350.3(ABCA4):c.571-1G>A

Gene: ABCA4 (ATP binding cassette subfamily A member 4; minus strand). Cytogenetic location: 1p22.1.
Variant type: single nucleotide variant.
Coding change: c.571-1G>A on transcript NM_000350.3 (MANE Select); the canonical splice acceptor site of the intron before coding-DNA position 571, G replaced by A.
Molecular consequence: splice acceptor variant.
Genome position (GRCh38, 1-based): chr1:94,098,992, C>T on the plus strand (G>A on the coding strand, the complement: ABCA4 is on the minus strand). VCF-style: chr1-94098992-C-T. GRCh37 (hg19) VCF-style: chr1-94564548-C-T.
Identifiers: ClinVar variation 1420043 (VCV001420043.8), dbSNP rs61748533, ClinGen allele CA341289798.

ClinVar aggregate classification (germline): Pathogenic (1 of 4 stars; one submission).

Submission:

Labcorp Genetics (formerly Invitae), Labcorp
Classification: Pathogenic. Last evaluated: 2022-09-27. Review status: criteria provided, single submitter. Criteria: Invitae Variant Classification Sherloc (09022015). Collection method: clinical testing. Allele origin: germline.
Comment: For these reasons, this variant has been classified as Pathogenic. Algorithms developed to predict the effect of sequence changes on RNA splicing suggest that this variant may disrupt the consensus splice site. ClinVar contains an entry for this variant (Variation ID: 1420043). Disruption of this splice site has been observed in individuals with Stargardt disease (PMID: 23341817, 28947085, 29925512). This variant is not present in population databases (gnomAD no frequency). This sequence change affects an acceptor splice site in intron 5 of the ABCA4 gene. It is expected to disrupt RNA splicing. Variants that disrupt the donor or acceptor splice site typically lead to a loss of protein function (PMID: 16199547), and loss-of-function variants in ABCA4 are known to be pathogenic (PMID: 10958761, 24938718, 25312043, 26780318).

Literature cited by the submitters: PubMed 23341817; PubMed 28947085; PubMed 29925512; PubMed 16199547; PubMed 10958761; PubMed 24938718; PubMed 25312043; PubMed 26780318.